The following is an entry in ClinVar:

ClinVar aggregate classification (germline): Uncertain significance (1 of 4 stars; one submission).

Conditions:
Hypertrophic cardiomyopathy. Also called: HYPERTROPHIC MYOCARDIOPATHY. Identifiers: Orphanet 217569, MedGen C0007194, MeSH D002312, MONDO:0005045, HP:0001639.

Submission:

All of Us Research Program, National Institutes of Health
Classification: Uncertain significance for Hypertrophic cardiomyopathy. Last evaluated: 2024-04-16. Review status: criteria provided, single submitter. Criteria: ACMG Guidelines, 2015. Collection method: clinical testing. Allele origin: germline. Inheritance: Autosomal dominant inheritance. Observed: 1 variant allele, 1 heterozygote.
Comment: This missense variant replaces serine with phenylalanine at codon 85 of the MYBPC3 protein. Computational prediction suggests that this variant may not impact protein structure and function (internally defined REVEL score threshold <= 0.5, PMID: 27666373). To our knowledge, functional studies have not been reported for this variant. This variant has not been reported in individuals affected with MYBPC3-related disorders in the literature. This variant has been identified in 1/31396 chromosomes in the general population by the Genome Aggregation Database (gnomAD). The available evidence is insufficient to determine the role of this variant in disease conclusively. Therefore, this variant is classified as a Variant of Uncertain Significance.

This study involves interpretation of variants in research participants for the purpose of population health screening. Participant phenotype was not available at the time of variant classification. Additional details can be found in publication PMID: 35346344, PMCID: PMC8962531

NM_000256.3(MYBPC3):c.254C>T (p.Ser85Phe)

Gene: MYBPC3 (myosin binding protein C3; minus strand). Cytogenetic location: 11p11.2.
Variant type: single nucleotide variant.
Coding change: c.254C>T on transcript NM_000256.3 (MANE Select); coding-DNA position 254, C replaced by T.
Protein change: p.Ser85Phe; replaces serine 85 with phenylalanine.
Molecular consequence: missense variant.
Genome position (GRCh38, 1-based): chr11:47,351,277, G>A on the plus strand (C>T on the coding strand, the complement: MYBPC3 is on the minus strand). VCF-style: chr11-47351277-G-A. GRCh37 (hg19) VCF-style: chr11-47372828-G-A.
Other names: short protein forms S85F.
Identifiers: ClinVar variation 3387153 (VCV003387153.1).
Genomic context (GRCh38, chr11:47,351,277, plus strand): 5'-GGAAGGCTGATCAGGATCTTACCTGCCTCTATGACCTTGAGGTCGAACTTGACCTTGGAG[G>A]AGCCAGCAATGACTGCGTAAGATCCCTGGTCGGCAGGGCCCACTTCCCGCACTGTCAGCG-3'
Protein context (NP_000247.2, residues 75-95): DQGSYAVIAG[Ser85Phe]SKVKFDLKVI